The following is an entry in ClinVar:

ClinVar aggregate classification (germline): Conflicting classifications of pathogenicity. Review status: criteria provided, conflicting classifications (1 of 4 stars). 2 submissions from 2 submitters: Likely pathogenic (1); Uncertain significance (1). Last evaluated 2024-05-15.

Conditions:
Familial renal glucosuria (GLYS). Also called: RENAL GLUCOSURIA, AUTOSOMAL DOMINANT; Familial renal glycosuria. Identifiers: Orphanet 69076, MedGen C3245525, MONDO:0009297, OMIM 233100.

Allele frequency attached by ClinVar (database versions not stated): gnomAD exomes below 0.00001; gnomAD 0.00001; TOPMed 0.00001.
gnomAD v4.1: 7 of 1,613,742 alleles (0.00043%); highest among the groups gnomAD compares: Non-Finnish European, 0.00059%; no homozygotes.

Submissions (2):

Fulgent Genetics
Classification: Uncertain significance for Familial renal glucosuria. Last evaluated: 2024-05-15. Review status: criteria provided, single submitter. Criteria: ACMG Guidelines, 2015. Collection method: clinical testing. Allele origin: germline.

GeneDx
Classification: Likely pathogenic. Last evaluated: 2023-10-31. Review status: criteria provided, single submitter. Criteria: GeneDx Variant Classification Process June 2021. Collection method: clinical testing. Allele origin: germline. Affected: yes.
Comment: Not observed at significant frequency in large population cohorts (gnomAD); In silico analysis supports that this missense variant has a deleterious effect on protein structure/function; Has not been previously published as pathogenic or benign to our knowledge

NM_003041.4(SLC5A2):c.503A>G (p.Gln168Arg)

Gene: SLC5A2 (solute carrier family 5 member 2; plus strand). Cytogenetic location: 16p11.2.
Variant type: single nucleotide variant.
Coding change: c.503A>G on transcript NM_003041.4 (MANE Select); coding-DNA position 503, A replaced by G.
Protein change: p.Gln168Arg; replaces glutamine 168 with arginine.
Molecular consequence: missense variant. On other transcripts: non-coding transcript variant (1).
Genome position (GRCh38, 1-based): chr16:31,486,204, A>G. VCF-style: chr16-31486204-A-G. GRCh37 (hg19) VCF-style: chr16-31497525-A-G.
Other names: short protein forms Q168R.
Identifiers: ClinVar variation 2662939 (VCV002662939.2), dbSNP rs1294044448, ClinGen allele CA395753046.